The following is an entry in ClinVar:

ClinVar aggregate classification (germline): Uncertain significance. Review status: criteria provided, multiple submitters, no conflicts (2 of 4 stars). 2 submissions from 2 submitters: Uncertain significance (2). Last evaluated 2026-07-02.

Conditions:
Familial thoracic aortic aneurysm and aortic dissection (TAAD). Also called: Thoracic aortic aneurysms and dissections. Identifiers: Orphanet 91387, MedGen C4707243, MONDO:0019625.
Aortic aneurysm, familial thoracic 4 (AAT4). Also called: AORTIC ANEURYSM/AORTIC DISSECTION AND PATENT DUCTUS ARTERIOSUS. Identifiers: MedGen C1851504, MONDO:0007568, OMIM 132900.

Allele frequency attached by ClinVar (database versions not stated): TOPMed 0.00003; gnomAD exomes below 0.00001.
gnomAD v4.1: 3 of 1,613,910 alleles (0.00019%); highest among the groups gnomAD compares: Non-Finnish European, 0.00017%; no homozygotes.

Submissions (2):

Ambry Genetics
Classification: Uncertain significance for Familial thoracic aortic aneurysm and aortic dissection. Last evaluated: 2026-07-02. Review status: criteria provided, single submitter. Criteria: Ambry Variant Classification Scheme 2023. Collection method: clinical testing. Allele origin: germline.
Comment: The p.K999R variant (also known as c.2996A>G), located in coding exon 22 of the MYH11 gene, results from an A to G substitution at nucleotide position 2996. The lysine at codon 999 is replaced by arginine, an amino acid with highly similar properties. This amino acid position is conserved. In addition, the in silico prediction for this alteration is inconclusive. Based on the available evidence, the clinical significance of this variant remains unclear.

Labcorp Genetics (formerly Invitae), Labcorp
Classification: Uncertain significance for Aortic aneurysm, familial thoracic 4. Last evaluated: 2025-03-26. Review status: criteria provided, single submitter. Criteria: Invitae Variant Classification Sherloc (09022015). Collection method: clinical testing. Allele origin: germline.
Comment: This sequence change replaces lysine, which is basic and polar, with arginine, which is basic and polar, at codon 1006 of the MYH11 protein (p.Lys1006Arg). This variant is not present in population databases (gnomAD no frequency). This variant has not been reported in the literature in individuals affected with MYH11-related conditions. ClinVar contains an entry for this variant (Variation ID: 2049755). An algorithm developed to predict the effect of missense changes on protein structure and function (PolyPhen-2) suggests that this variant is likely to be disruptive. In summary, the available evidence is currently insufficient to determine the role of this variant in disease. Therefore, it has been classified as a Variant of Uncertain Significance.

NM_002474.3(MYH11):c.2996A>G (p.Lys999Arg)

Gene: MYH11 (myosin heavy chain 11; minus strand). Cytogenetic location: 16p13.11.
Variant type: single nucleotide variant.
Coding change: c.2996A>G on transcript NM_002474.3 (MANE Select); coding-DNA position 2996, A replaced by G.
Protein change: p.Lys999Arg; replaces lysine 999 with arginine.
Molecular consequence: missense variant.
Genome position (GRCh38, 1-based): chr16:15,740,052, T>C on the plus strand (A>G on the coding strand, the complement: MYH11 is on the minus strand). VCF-style: chr16-15740052-T-C. GRCh37 (hg19) VCF-style: chr16-15833909-T-C.
Other names: c.2996A>G (NM_002474.2); c.3017A>G, p.Lys1006Arg (NM_001040113.2, NM_001040114.2); c.2996A>G, p.Lys999Arg (NM_022844.3); short protein forms K1006R, K999R.
Identifiers: ClinVar variation 2049755 (VCV002049755.5), dbSNP rs894429587, ClinGen allele CA278625774.